The following is an entry in ClinVar:

NM_033026.6(PCLO):c.4949G>C (p.Ser1650Thr)

Gene: PCLO (piccolo presynaptic cytomatrix protein; minus strand). Cytogenetic location: 7q21.11.
Variant type: single nucleotide variant.
Coding change: c.4949G>C on transcript NM_033026.6 (MANE Select); coding-DNA position 4949, G replaced by C.
Protein change: p.Ser1650Thr; replaces serine 1650 with threonine.
Molecular consequence: missense variant.
Genome position (GRCh38, 1-based): chr7:82,956,004, C>G on the plus strand (G>C on the coding strand, the complement: PCLO is on the minus strand). VCF-style: chr7-82956004-C-G. GRCh37 (hg19) VCF-style: chr7-82585320-C-G.
Other names: c.4949G>C, p.Ser1650Thr (NM_014510.3); short protein forms S1650T.
Identifiers: ClinVar variation 2818540 (VCV002818540.3), dbSNP rs2535709495, ClinGen allele CA367925608.

ClinVar aggregate classification (germline): Uncertain significance (1 of 4 stars; one submission).

Submission:

Labcorp Genetics (formerly Invitae), Labcorp
Classification: Uncertain significance. Last evaluated: 2023-04-03. Review status: criteria provided, single submitter. Criteria: Invitae Variant Classification Sherloc (09022015). Collection method: clinical testing. Allele origin: germline.
Comment: This sequence change replaces serine, which is neutral and polar, with threonine, which is neutral and polar, at codon 1650 of the PCLO protein (p.Ser1650Thr). This variant is not present in population databases (gnomAD no frequency). This variant has not been reported in the literature in individuals affected with PCLO-related conditions. Experimental studies and prediction algorithms are not available or were not evaluated, and the functional significance of this variant is currently unknown. In summary, the available evidence is currently insufficient to determine the role of this variant in disease. Therefore, it has been classified as a Variant of Uncertain Significance.